The following is an entry in ClinVar:

ClinVar aggregate classification (germline): Conflicting classifications of pathogenicity. Review status: criteria provided, conflicting classifications (1 of 4 stars). 7 submissions from 7 submitters: Uncertain significance (1); Benign (1); Likely benign (5). Last evaluated 2025-09-26.

Conditions:
Hereditary cancer-predisposing syndrome. Also called: Hereditary neoplastic syndrome; Hereditary Cancer Syndrome; Neoplastic Syndromes, Hereditary; Tumor predisposition. Identifiers: Orphanet 140162, MedGen C0027672, MeSH D009386, MONDO:0015356.
Hereditary nonpolyposis colorectal neoplasms. Identifiers: MedGen C0009405, MeSH D003123.
Lynch syndrome. Identifiers: Orphanet 144, MedGen C4552100, MONDO:0005835. Disease mechanism: loss of function.
Lynch syndrome 4 (LYNCH4). Also called: Colorectal cancer, hereditary nonpolyposis, type 4; Hereditary non-polyposis colorectal cancer, type 4. Identifiers: Orphanet 144, MedGen C1838333, MONDO:0013699, OMIM 614337. Disease mechanism: loss of function.

gnomAD v4.1: 5 of 1,598,118 alleles (0.00031%); highest among the groups gnomAD compares: South Asian, 0.0044%; no homozygotes.

Submissions (7):

Quest Diagnostics Nichols Institute San Juan Capistrano
Classification: Likely benign. Last evaluated: 2025-09-26. Review status: criteria provided, single submitter. Criteria: Quest Diagnostics criteria. Collection method: clinical testing. Allele origin: unknown.

Ambry Genetics
Classification: Likely benign for Hereditary cancer-predisposing syndrome. Last evaluated: 2025-02-24. Review status: criteria provided, single submitter. Criteria: Ambry Variant Classification Scheme 2023. Collection method: clinical testing. Allele origin: germline.

Myriad Genetics, Inc.
Classification: Benign for Lynch syndrome 4. Last evaluated: 2025-01-24. Review status: criteria provided, single submitter. Criteria: Myriad Autosomal Dominant, Autosomal Recessive and X-Linked Classification Criteria (2023). Collection method: clinical testing. Allele origin: unknown.
Comment: This variant is considered benign. This variant is a silent/synonymous amino acid change and it is not expected to impact splicing.

Labcorp Genetics (formerly Invitae), Labcorp
Classification: Likely benign for Hereditary nonpolyposis colorectal neoplasms. Last evaluated: 2024-10-30. Review status: criteria provided, single submitter. Criteria: Invitae Variant Classification Sherloc (09022015). Collection method: clinical testing. Allele origin: germline.

All of Us Research Program, National Institutes of Health
Classification: Likely benign for Lynch syndrome. Last evaluated: 2023-06-26. Review status: criteria provided, single submitter. Criteria: ACMG Guidelines, 2015. Collection method: clinical testing. Allele origin: germline. Inheritance: Autosomal dominant inheritance. Observed: 1 variant allele, 1 heterozygote.
Comment: This study involves interpretation of variants in research participants for the purpose of population health screening. Participant phenotype was not available at the time of variant classification. Additional details can be found in publication PMID: 35346344, PMCID: PMC8962531

Color Diagnostics, LLC DBA Color Health
Classification: Likely benign for Hereditary cancer-predisposing syndrome. Last evaluated: 2020-07-28. Review status: criteria provided, single submitter. Criteria: ACMG Guidelines, 2015. Collection method: clinical testing. Allele origin: germline.

GeneDx
Classification: Uncertain significance. Last evaluated: 2019-06-10. Review status: criteria provided, single submitter. Criteria: GeneDx Variant Classification Process June 2021. Collection method: clinical testing. Allele origin: germline. Affected: yes.
Comment: Not observed in large population cohorts (Lek et al., 2016); Has not been previously published as pathogenic or benign to our knowledge; In-silico analysis, which includes splice predictors and evolutionary conservation, is inconclusive as to whether the variant alters gene splicing. In the absence of RNA/functional studies, the actual effect of this sequence change is unknown.

Literature cited by the submitters: PubMed 35449176 (cited by Quest Diagnostics Nichols Institute San Juan Capistrano).

NM_000535.7(PMS2):c.321G>C (p.Arg107=)

Gene: PMS2 (PMS1 homolog 2, mismatch repair system component; minus strand). Cytogenetic location: 7p22.1.
Variant type: single nucleotide variant.
Coding change: c.321G>C on transcript NM_000535.7 (MANE Select); coding-DNA position 321, G replaced by C.
Protein change: p.Arg107=; no amino-acid change (arginine 107 retained).
Molecular consequence: synonymous variant. On other transcripts: 5 prime UTR variant (9), non-coding transcript variant (1), intron variant (2).
Genome position (GRCh38, 1-based): chr7:6,003,722, C>G on the plus strand (G>C on the coding strand, the complement: PMS2 is on the minus strand). VCF-style: chr7-6003722-C-G. GRCh37 (hg19) VCF-style: chr7-6043353-C-G.
Other names: c.-85G>C (NM_001322003.2, NM_001322004.2, NM_001322005.2 and 3 more transcripts); c.321G>C, p.Arg107= (NM_001322006.2, NM_001322014.2); c.-564G>C (NM_001322011.2, NM_001322012.2); c.-164G>C (NM_001322015.2); c.35+250G>C (NM_001322008.2, NM_001322007.2).
Identifiers: ClinVar variation 234631 (VCV000234631.24), dbSNP rs756420858, ClinGen allele CA10577358.